The following is an entry in ClinVar:

NM_000057.4(BLM):c.2933G>T (p.Gly978Val)

Gene: BLM (BLM RecQ like helicase; plus strand). Cytogenetic location: 15q26.1.
Variant type: single nucleotide variant.
Coding change: c.2933G>T on transcript NM_000057.4 (MANE Select); coding-DNA position 2933, G replaced by T.
Protein change: p.Gly978Val; replaces glycine 978 with valine.
Molecular consequence: missense variant.
Genome position (GRCh38, 1-based): chr15:90,790,758, G>T. VCF-style: chr15-90790758-G-T. GRCh37 (hg19) VCF-style: chr15-91333988-G-T.
Other names: c.2933G>T, p.Gly978Val (NM_001287246.2, NM_001287247.2); c.1808G>T, p.Gly603Val (NM_001287248.2); short protein forms G603V, G978V.
Identifiers: ClinVar variation 4211562 (VCV004211562.1).

ClinVar aggregate classification (germline): Uncertain significance (1 of 4 stars; one submission).

Conditions:
Hereditary cancer-predisposing syndrome. Also called: Neoplastic Syndromes, Hereditary; Tumor predisposition; Hereditary Cancer Syndrome; Hereditary neoplastic syndrome. Identifiers: Orphanet 140162, MedGen C0027672, MeSH D009386, MONDO:0015356.

Submission:

Ambry Genetics
Classification: Uncertain significance for Hereditary cancer-predisposing syndrome. Last evaluated: 2025-06-17. Review status: criteria provided, single submitter. Criteria: Ambry Variant Classification Scheme 2023. Collection method: clinical testing. Allele origin: germline.
Comment: The p.G978V variant (also known as c.2933G>T), located in coding exon 14 of the BLM gene, results from a G to T substitution at nucleotide position 2933. The glycine at codon 978 is replaced by valine, an amino acid with dissimilar properties. This amino acid position is conserved. In addition, this alteration is predicted to be deleterious by in silico analysis. Based on the available evidence, the clinical significance of this variant remains unclear.